The following is an entry in ClinVar:

ClinVar aggregate classification (germline): Uncertain significance (1 of 4 stars; one submission).

Conditions:
Spastic paraplegia. Identifiers: MedGen C0037772, HP:0001258.

gnomAD v4.1: 21 of 1,609,954 alleles (0.0013%); highest among the groups gnomAD compares: Admixed American, 0.0017%; no homozygotes.

Submission:

Labcorp Genetics (formerly Invitae), Labcorp
Classification: Uncertain significance for Spastic paraplegia. Last evaluated: 2022-03-31. Review status: criteria provided, single submitter. Criteria: Invitae Variant Classification Sherloc (09022015). Collection method: clinical testing. Allele origin: germline.
Comment: This sequence change replaces serine, which is neutral and polar, with phenylalanine, which is neutral and non-polar, at codon 634 of the ZFYVE26 protein (p.Ser634Phe). This variant is present in population databases (no rsID available, gnomAD 0.002%). This variant has not been reported in the literature in individuals affected with ZFYVE26-related conditions. Algorithms developed to predict the effect of missense changes on protein structure and function output the following: SIFT: "Tolerated"; PolyPhen-2: "Benign"; Align-GVGD: "Class C0". The phenylalanine amino acid residue is found in multiple mammalian species, which suggests that this missense change does not adversely affect protein function. In summary, the available evidence is currently insufficient to determine the role of this variant in disease. Therefore, it has been classified as a Variant of Uncertain Significance.

NM_015346.4(ZFYVE26):c.1901C>T (p.Ser634Phe)

Gene: ZFYVE26 (zinc finger FYVE-type containing 26; minus strand). Cytogenetic location: 14q24.1.
Variant type: single nucleotide variant.
Coding change: c.1901C>T on transcript NM_015346.4 (MANE Select); coding-DNA position 1901, C replaced by T.
Protein change: p.Ser634Phe; replaces serine 634 with phenylalanine.
Molecular consequence: missense variant.
Genome position (GRCh38, 1-based): chr14:67,798,361, G>A on the plus strand (C>T on the coding strand, the complement: ZFYVE26 is on the minus strand). VCF-style: chr14-67798361-G-A. GRCh37 (hg19) VCF-style: chr14-68265078-G-A.
Other names: short protein forms S634F.
Identifiers: ClinVar variation 2068868 (VCV002068868.1), dbSNP rs761420970, ClinGen allele CA390175620.